The following is an entry in ClinVar:

NM_004168.4(SDHA):c.1299C>T (p.Pro433=)

Gene: SDHA (succinate dehydrogenase complex flavoprotein subunit A; plus strand). Cytogenetic location: 5p15.33.
Variant type: single nucleotide variant.
Coding change: c.1299C>T on transcript NM_004168.4 (MANE Select); coding-DNA position 1299, C replaced by T.
Protein change: p.Pro433=; no amino-acid change (proline 433 retained).
Molecular consequence: synonymous variant.
Genome position (GRCh38, 1-based): chr5:236,466, C>T. VCF-style: chr5-236466-C-T. GRCh37 (hg19) VCF-style: chr5-236581-C-T.
Other names: p.Pro433=; c.1155C>T, p.Pro385= (NM_001294332.2); c.1299C>T, p.Pro433= (NM_001330758.2).
Identifiers: ClinVar variation 239643 (VCV000239643.21), dbSNP rs144473374, ClinGen allele CA3173186.

ClinVar aggregate classification (germline): Benign/Likely benign. Review status: criteria provided, multiple submitters, no conflicts (2 of 4 stars). 6 submissions from 6 submitters: Benign (2); Likely benign (3). 1 of the submissions does not count toward it. Last evaluated 2026-02-03.

Conditions:
SDHA-related disorder. Also called: SDHA-related condition; SDHA-related disorders.
Mitochondrial complex II deficiency, nuclear type 1. Also called: SUCCINATE CoQ REDUCTASE DEFICIENCY. Identifiers: Orphanet 3208, MedGen C5700310, MONDO:0100294, OMIM 252011.
Pheochromocytoma/paraganglioma syndrome 5. Also called: Paragangliomas 5; SDHA-Related Hereditary Paraganglioma-Pheochromocytoma Syndrome. Identifiers: Orphanet 29072, MedGen C3279992, MONDO:0013602, OMIM 614165.
Hereditary cancer-predisposing syndrome. Also called: Hereditary Cancer Syndrome; Hereditary neoplastic syndrome; Neoplastic Syndromes, Hereditary; Tumor predisposition. Identifiers: Orphanet 140162, MedGen C0027672, MeSH D009386, MONDO:0015356.

Allele frequency attached by ClinVar (database versions not stated): ExAC 0.00003; gnomAD exomes 0.00004; gnomAD 0.00005; TOPMed 0.00009; ESP Exome Variant Server 0.00023.
gnomAD v4.1: 60 of 1,613,782 alleles (0.0037%); highest among the groups gnomAD compares: African/African-American, 0.017%; no homozygotes.

Submissions (6):

Labcorp Genetics (formerly Invitae), Labcorp
Classification: Likely benign for Pheochromocytoma/paraganglioma syndrome 5; Mitochondrial complex II deficiency, nuclear type 1. Last evaluated: 2026-02-03. Review status: criteria provided, single submitter. Criteria: Invitae Variant Classification Sherloc (09022015). Collection method: clinical testing. Allele origin: germline.

Myriad Genetics, Inc.
Classification: Benign for Pheochromocytoma/paraganglioma syndrome 5. Last evaluated: 2025-03-10. Review status: criteria provided, single submitter. Criteria: Myriad Autosomal Dominant, Autosomal Recessive and X-Linked Classification Criteria (2023). Collection method: clinical testing. Allele origin: unknown.
Comment: This variant is considered benign. This variant is a silent/synonymous amino acid change and it is not expected to impact splicing.

Mayo Clinic Laboratories, Mayo Clinic
Classification: Likely benign. Last evaluated: 2025-03-05. Review status: criteria provided, single submitter. Criteria: ACMG Guidelines, 2015. Collection method: clinical testing. Allele origin: germline. Observed: 1 variant allele.
Comment: BP4, BP7

Quest Diagnostics Nichols Institute San Juan Capistrano
Classification: Benign. Last evaluated: 2023-08-21. Review status: criteria provided, single submitter. Criteria: Quest Diagnostics criteria. Collection method: clinical testing. Allele origin: unknown.

Ambry Genetics
Classification: Likely benign for Hereditary cancer-predisposing syndrome. Last evaluated: 2015-04-02. Review status: criteria provided, single submitter. Criteria: Ambry Variant Classification Scheme 2023. Collection method: clinical testing. Allele origin: germline.

PreventionGenetics, part of Exact Sciences
Classification: Likely benign for SDHA-related condition. Last evaluated: 2020-10-12. Review status: no assertion criteria provided. Collection method: clinical testing. Allele origin: germline. Not counted in ClinVar's aggregate classification.
Comment: This variant is classified as likely benign based on ACMG/AMP sequence variant interpretation guidelines (Richards et al. 2015 PMID: 25741868, with internal and published modifications).